The following is an entry in ClinVar:

NM_001005373.4(LRSAM1):c.1694del (p.Leu565fs)

Gene: LRSAM1 (leucine rich repeat and sterile alpha motif containing 1; plus strand). Cytogenetic location: 9q33.3.
Variant type: Deletion.
Coding change: c.1694del on transcript NM_001005373.4 (MANE Select); coding-DNA position 1694, one base deleted (T; older notation c.1694delT).
Protein change: p.Leu565fs; shifts the reading frame from leucine 565.
Molecular consequence: frameshift variant. On other transcripts: non-coding transcript variant (2), intron variant (1).
Genome position (GRCh38, 1-based): chr9:127,495,414, T deleted. VCF-style (leftmost placement, unchanged base first): chr9-127495413-CT-C. GRCh37 (hg19) VCF-style: chr9-130257692-CT-C.
Other names: c.1694del, p.Leu565fs (NM_001005374.4, NM_001384142.1, NM_138361.5); c.1613del, p.Leu538fs (NM_001190723.3); c.905del, p.Leu302fs (NM_001384144.1); c.1600-550del (NM_001384143.1); c.1694delT (NM_138361.5); short protein forms L538fs, L565fs, L302fs.
Identifiers: ClinVar variation 577820 (VCV000577820.9), dbSNP rs749012928, ClinGen allele CA5247089.

ClinVar aggregate classification (germline): Pathogenic. Review status: criteria provided, multiple submitters, no conflicts (2 of 4 stars). 3 submissions from 3 submitters: Pathogenic (3). Last evaluated 2024-12-02.

Conditions:
Inborn genetic diseases. Identifiers: MedGen C0950123, MeSH D030342.
Charcot-Marie-Tooth disease axonal type 2P-AR.
Charcot-Marie-Tooth disease axonal type 2P. Also called: CHARCOT-MARIE-TOOTH NEUROPATHY, TYPE 2P; CHARCOT-MARIE-TOOTH DISEASE, AXONAL, TYPE 2G; CMT 2G; Charcot-Marie-Tooth Neuropathy Type 2G. Identifiers: Orphanet 300319, Orphanet 99941, MedGen C3280797, MONDO:0013753, OMIM 614436.

Allele frequency attached by ClinVar (database versions not stated): ExAC 0.00001; gnomAD 0.00001; gnomAD exomes 0.00001; TOPMed 0.00001.

Submissions (3):

Women's Health and Genetics/Laboratory Corporation of America, LabCorp
Classification: Pathogenic for Charcot-Marie-Tooth disease axonal type 2P-AR. Last evaluated: 2024-12-02. Review status: criteria provided, single submitter. Criteria: LabCorp Variant Classification Summary - May 2015. Collection method: clinical testing. Allele origin: germline.
Comment: Variant summary: LRSAM1 c.1694delT (p.Leu565ArgfsX36) results in a premature termination codon, predicted to cause a truncation of the encoded protein or absence of the protein due to nonsense mediated decay, which are commonly known mechanisms for disease. The variant allele was found at a frequency of 8e-06 in 251224 control chromosomes. To our knowledge, no occurrence of c.1694delT in individuals affected with Charcot-Marie-Tooth disease axonal type 2P-AR and no experimental evidence demonstrating its impact on protein function have been reported. ClinVar contains an entry for this variant (Variation ID: 577820). Based on the evidence outlined above, the variant was classified as pathogenic.

Labcorp Genetics (formerly Invitae), Labcorp
Classification: Pathogenic for Charcot-Marie-Tooth disease axonal type 2P. Last evaluated: 2024-09-27. Review status: criteria provided, single submitter. Criteria: Invitae Variant Classification Sherloc (09022015). Collection method: clinical testing. Allele origin: germline.
Comment: This sequence change creates a premature translational stop signal (p.Leu565Argfs*36) in the LRSAM1 gene. It is expected to result in an absent or disrupted protein product. Loss-of-function variants in LRSAM1 are known to be pathogenic (PMID: 20865121, 33414056). This variant is present in population databases (rs749012928, gnomAD 0.002%). This variant has not been reported in the literature in individuals affected with LRSAM1-related conditions. ClinVar contains an entry for this variant (Variation ID: 577820). For these reasons, this variant has been classified as Pathogenic.

Ambry Genetics
Classification: Pathogenic for Inborn genetic diseases. Last evaluated: 2020-08-11. Review status: criteria provided, single submitter. Criteria: Ambry Variant Classification Scheme 2023. Collection method: clinical testing. Allele origin: germline.
Comment: The c.1694delT variant, located in coding exon 20 of the LRSAM1 gene, results from a deletion of one nucleotide at nucleotide position 1694, causing a translational frameshift with a predicted alternate stop codon (p.L565Rfs*36). This alteration is expected to result in loss of function by premature protein truncation or nonsense-mediated mRNA decay. As such, this alteration is interpreted as a disease-causing mutation.

Literature cited by the submitters: PubMed 20865121 (cited by Labcorp Genetics (formerly Invitae), Labcorp); PubMed 33414056 (cited by Labcorp Genetics (formerly Invitae), Labcorp).